The following is an entry in ClinVar:

ClinVar aggregate classification (germline): Conflicting classifications of pathogenicity. Review status: criteria provided, conflicting classifications (1 of 4 stars). 2 submissions from 2 submitters: Uncertain significance (1); Likely benign (1). Last evaluated 2023-03-23.

Conditions:
Hereditary cancer-predisposing syndrome. Also called: Hereditary neoplastic syndrome; Tumor predisposition; Hereditary Cancer Syndrome; Neoplastic Syndromes, Hereditary. Identifiers: Orphanet 140162, MedGen C0027672, MeSH D009386, MONDO:0015356.
Hereditary breast ovarian cancer syndrome. Also called: Hereditary breast and ovarian cancer syndrome; BRCA1- and BRCA2-Associated Hereditary Breast and Ovarian Cancer; Hereditary breast and ovarian cancer syndrome (HBOC); Hereditary breast and/or ovarian cancer syndrome; Hereditary breast and ovarian cancer; Breast and ovarian cancer. Identifiers: Orphanet 145, MedGen C0677776, MeSH D061325, MONDO:0003582. Disease mechanism: loss of function.

Submissions (2):

University of Washington Department of Laboratory Medicine, University of Washington
Classification: Likely benign for Hereditary cancer-predisposing syndrome. Last evaluated: 2023-03-23. Review status: criteria provided, single submitter. Criteria: Dines et al. (Genet Med. 2020). Collection method: curation. Allele origin: germline.
Comment: Missense variant in a coldspot region where missense variants are very unlikely to be pathogenic (PMID:31911673).

BRCA1 coldspot (exon 11 using historical exon numbering). Reclassification based on statistical prior probability

Labcorp Genetics (formerly Invitae), Labcorp
Classification: Uncertain significance for Hereditary breast ovarian cancer syndrome. Last evaluated: 2022-04-15. Review status: criteria provided, single submitter. Criteria: Invitae Variant Classification Sherloc (09022015). Collection method: clinical testing. Allele origin: germline.
Comment: In summary, the available evidence is currently insufficient to determine the role of this variant in disease. Therefore, it has been classified as a Variant of Uncertain Significance. Advanced modeling of protein sequence and biophysical properties (such as structural, functional, and spatial information, amino acid conservation, physicochemical variation, residue mobility, and thermodynamic stability) performed at Invitae indicates that this missense variant is not expected to disrupt BRCA1 protein function. This variant has not been reported in the literature in individuals affected with BRCA1-related conditions. This variant is not present in population databases (gnomAD no frequency). This sequence change replaces lysine, which is basic and polar, with glutamic acid, which is acidic and polar, at codon 325 of the BRCA1 protein (p.Lys325Glu).

NM_007294.4(BRCA1):c.973A>G (p.Lys325Glu)

Gene: BRCA1 (BRCA1 DNA repair associated; minus strand). Cytogenetic location: 17q21.31.
Variant type: single nucleotide variant.
Coding change: c.973A>G on transcript NM_007294.4 (MANE Select); coding-DNA position 973, A replaced by G.
Protein change: p.Lys325Glu; replaces lysine 325 with glutamic acid.
Molecular consequence: missense variant. On other transcripts: intron variant (137).
Genome position (GRCh38, 1-based): chr17:43,094,558, T>C on the plus strand (A>G on the coding strand, the complement: BRCA1 is on the minus strand). VCF-style: chr17-43094558-T-C. GRCh37 (hg19) VCF-style: chr17-41246575-T-C.
Other names: c.586+186A>G (NM_001408476.1, NM_001408474.1); c.709+186A>G (NM_001408409.1, NM_001408414.1, NM_001408411.1 and 2 more transcripts); c.574+186A>G (NM_001408493.1, NM_001408490.1, NM_001408491.1); c.454+186A>G (NM_001408502.1); c.577+186A>G (NM_001408489.1, NM_001408479.1, NM_001408482.1 and 9 more transcripts); c.661+186A>G (NM_001408445.1, NM_001408432.1, NM_001408450.1 and 6 more transcripts); c.667+1288A>G (NM_001408431.1, NM_001408424.1, NM_001408421.1); c.784+186A>G (NM_001408407.1, NM_001408402.1, NM_001408473.1 and 13 more transcripts); and 40 more; short protein forms K213E, K236E, K254E, K29E, K322E, K324E, K157E, K197E.
Identifiers: ClinVar variation 2126190 (VCV002126190.6), dbSNP rs2552225974, ClinGen allele CA10600116.